The following is an entry in ClinVar:

ClinVar aggregate classification (germline): Uncertain significance (1 of 4 stars; one submission).

Submission:

CeGaT Center for Human Genetics Tuebingen
Classification: Uncertain significance. Last evaluated: 2024-06-01. Review status: criteria provided, single submitter. Criteria: CeGaT Center For Human Genetics Tuebingen Variant Classification Criteria Version 2. Collection method: clinical testing. Allele origin: germline. Affected: yes. Observed: 1 variant allele.
Comment: WWOX: PM2, PVS1:Moderate

NM_016373.4(WWOX):c.1193G>A (p.Trp398Ter)

Genes: MAF (MAF bZIP transcription factor; minus strand), WWOX (WW domain containing oxidoreductase; plus strand). Cytogenetic location: 16q23.2.
Variant type: single nucleotide variant.
Coding change: c.1193G>A on transcript NM_016373.4 (MANE Select); coding-DNA position 1193, G replaced by A.
Protein change: p.Trp398Ter; replaces tryptophan 398 with a stop codon.
Molecular consequence: nonsense.
Genome position (GRCh38, 1-based): chr16:79,211,744, G>A. VCF-style: chr16-79211744-G-A. GRCh37 (hg19) VCF-style: chr16-79245641-G-A.
Other names: c.854G>A, p.Trp285Ter (NM_001291997.2); short protein forms W285*, W398*.
Identifiers: ClinVar variation 3251180 (VCV003251180.18), dbSNP rs2150868068.